The following is an entry in ClinVar:

ClinVar aggregate classification (germline): Uncertain significance (1 of 4 stars; one submission).

Submission:

Labcorp Genetics (formerly Invitae), Labcorp
Classification: Uncertain significance. Last evaluated: 2023-12-09. Review status: criteria provided, single submitter. Criteria: Invitae Variant Classification Sherloc (09022015). Collection method: clinical testing. Allele origin: germline.
Comment: This sequence change creates a premature translational stop signal (p.Arg800Glufs*18) in the TNNI3K gene. While this is not anticipated to result in nonsense mediated decay, it is expected to disrupt the last 36 amino acid(s) of the TNNI3K protein. This variant is not present in population databases (gnomAD no frequency). This variant has not been reported in the literature in individuals affected with TNNI3K-related conditions. Experimental studies and prediction algorithms are not available or were not evaluated, and the functional significance of this variant is currently unknown. In summary, the available evidence is currently insufficient to determine the role of this variant in disease. Therefore, it has been classified as a Variant of Uncertain Significance.

NM_015978.3(TNNI3K):c.2398del (p.Arg800fs)

Genes: FPGT-TNNI3K (FPGT-TNNI3K readthrough; plus strand), TNNI3K (TNNI3 interacting kinase; plus strand). Cytogenetic location: 1p31.1.
Variant type: Deletion.
Coding change: c.2398del on transcript NM_015978.3 (MANE Select); coding-DNA position 2398, one base deleted (A; older notation c.2398delA).
Protein change: p.Arg800fs; shifts the reading frame from arginine 800.
Molecular consequence: frameshift variant.
Genome position (GRCh38, 1-based): chr1:74,540,280, A deleted; the last of 4 consecutive A bases (chr1:74,540,277-74,540,280); deleting any one gives the same sequence. VCF-style (leftmost placement, unchanged base first): chr1-74540276-GA-G. GRCh37 (hg19) VCF-style: chr1-75005960-GA-G.
Other names: c.2701del, p.Arg901fs (NM_001112808.3); short protein forms R800fs, R901fs.
Identifiers: ClinVar variation 2701509 (VCV002701509.3), dbSNP rs2525222023, ClinGen allele CA2697552484.